The following is an entry in ClinVar:

NM_004836.7(EIF2AK3):c.1653A>G (p.Gln551=)

Gene: EIF2AK3 (eukaryotic translation initiation factor 2 alpha kinase 3; minus strand). Cytogenetic location: 2p11.2.
Variant type: single nucleotide variant.
Coding change: c.1653A>G on transcript NM_004836.7 (MANE Select); coding-DNA position 1653, A replaced by G.
Protein change: p.Gln551=; no amino-acid change (glutamine 551 retained).
Molecular consequence: synonymous variant.
Genome position (GRCh38, 1-based): chr2:88,583,540, T>C on the plus strand (A>G on the coding strand, the complement: EIF2AK3 is on the minus strand). VCF-style: chr2-88583540-T-C. GRCh37 (hg19) VCF-style: chr2-88883058-T-C.
Other names: c.1200A>G, p.Gln400= (NM_001313915.2).
Identifiers: ClinVar variation 1345113 (VCV001345113.5), dbSNP rs1443211137, ClinGen allele CA427173922.

ClinVar aggregate classification (germline): Uncertain significance (1 of 4 stars; one submission).

Allele frequency attached by ClinVar (database versions not stated): gnomAD 0.00001; gnomAD exomes 0.00002; TOPMed below 0.00001.
gnomAD v4.1: 29 of 1,611,602 alleles (0.0018%); highest among the groups gnomAD compares: Non-Finnish European, 0.0024%; no homozygotes.

Submission:

Labcorp Genetics (formerly Invitae), Labcorp
Classification: Uncertain significance. Last evaluated: 2022-06-20. Review status: criteria provided, single submitter. Criteria: Invitae Variant Classification Sherloc (09022015). Collection method: clinical testing. Allele origin: germline.
Comment: This sequence change affects codon 551 of the EIF2AK3 mRNA. It is a 'silent' change, meaning that it does not change the encoded amino acid sequence of the EIF2AK3 protein. This variant is present in population databases (no rsID available, gnomAD 0.004%). This variant has not been reported in the literature in individuals affected with EIF2AK3-related conditions. Algorithms developed to predict the effect of sequence changes on RNA splicing suggest that this variant may disrupt the consensus splice site. In summary, the available evidence is currently insufficient to determine the role of this variant in disease. Therefore, it has been classified as a Variant of Uncertain Significance.